The following is an entry in ClinVar:

NM_153676.4(USH1C):c.496_496+4del

Gene: USH1C (USH1 protein network component harmonin; minus strand). Cytogenetic location: 11p15.1.
Variant type: Deletion.
Coding change: c.496_496+4del on transcript NM_153676.4 (MANE Select); coding-DNA position 496 through 4 bases into the intron after coding-DNA position 496, 5 bases deleted (CGTGA; older notation c.496_496+4delCGTGA).
Molecular consequence: splice donor variant.
Genome position (GRCh38, 1-based): chr11:17,527,219-17,527,223, TCACG deleted on the plus strand (CGTGA on the coding strand, the reverse complement: USH1C is on the minus strand); deleting any 5 consecutive bases within chr11:17,527,219-17,527,225 gives the same sequence; the c. name uses the placement nearest the transcript's 3' end. VCF-style (leftmost placement, unchanged base first): chr11-17527218-CTCACG-C. GRCh37 (hg19) VCF-style: chr11-17548765-CTCACG-C.
Other names: c.496_496+4del (NM_001297764.2, NM_005709.4).
Identifiers: ClinVar variation 1939547 (VCV001939547.6), dbSNP rs1381315419, ClinGen allele CA597668935.

ClinVar aggregate classification (germline): Pathogenic. Review status: criteria provided, multiple submitters, no conflicts (2 of 4 stars). 2 submissions from 2 submitters: Pathogenic (2). Last evaluated 2024-06-10.

Conditions:
Autosomal recessive nonsyndromic hearing loss 18A. Also called: Deafness, autosomal recessive 18A; DEAFNESS, AUTOSOMAL RECESSIVE 18. Identifiers: Orphanet 90636, MedGen C1865870, MONDO:0011192, OMIM 602092.
Usher syndrome type 1C. Also called: USHER SYNDROME, TYPE I, ACADIAN VARIETY. Identifiers: Orphanet 231169, Orphanet 886, MedGen C1848604, MONDO:0010171, OMIM 276904.

Submissions (2):

Fulgent Genetics
Classification: Pathogenic for Usher syndrome type 1C; Autosomal recessive nonsyndromic hearing loss 18A. Last evaluated: 2024-06-10. Review status: criteria provided, single submitter. Criteria: ACMG Guidelines, 2015. Collection method: clinical testing. Allele origin: germline.

Labcorp Genetics (formerly Invitae), Labcorp
Classification: Pathogenic. Last evaluated: 2021-12-11. Review status: criteria provided, single submitter. Criteria: Invitae Variant Classification Sherloc (09022015). Collection method: clinical testing. Allele origin: germline.
Comment: This sequence change creates a premature translational stop signal (p.His166Thrfs*4) in the USH1C gene. It is expected to result in an absent or disrupted protein product. Loss-of-function variants in USH1C are known to be pathogenic (PMID: 10973247, 17407589, 20301442, 21203349). This variant is present in population databases (no rsID available, gnomAD 0.0009%). This variant has not been reported in the literature in individuals affected with USH1C-related conditions. Algorithms developed to predict the effect of sequence changes on RNA splicing suggest that this variant may disrupt the consensus splice site. For these reasons, this variant has been classified as Pathogenic.

Literature cited by the submitters: PubMed 10973247 (cited by Labcorp Genetics (formerly Invitae), Labcorp); PubMed 17407589 (cited by Labcorp Genetics (formerly Invitae), Labcorp); PubMed 20301442 (cited by Labcorp Genetics (formerly Invitae), Labcorp); PubMed 21203349 (cited by Labcorp Genetics (formerly Invitae), Labcorp).